The following is an entry in ClinVar:

ClinVar aggregate classification (germline): Pathogenic (1 of 4 stars; one submission).

Submission:

Labcorp Genetics (formerly Invitae), Labcorp
Classification: Pathogenic. Last evaluated: 2021-12-24. Review status: criteria provided, single submitter. Criteria: Invitae Variant Classification Sherloc (09022015). Collection method: clinical testing. Allele origin: germline.
Comment: For these reasons, this variant has been classified as Pathogenic. This variant has not been reported in the literature in individuals affected with DEAF1-related conditions. This variant is a gross deletion of the genomic region encompassing exon(s) 1 of the DEAF1 gene, which includes the initiator codon. This deletion extends beyond the assayed region for this gene and therefore may encompass additional genes. It is expected to result in an absent or disrupted protein product. Loss-of-function variants in DEAF1 are known to be pathogenic (PMID: 30923367).

Literature cited by the submitters: PubMed 30923367.

NC_000011.9:g.(?_694739)_(695047_?)del

Gene: DEAF1 (DEAF1 transcription factor; minus strand). Cytogenetic location: 11p15.5.
Variant type: Deletion.
Identifiers: ClinVar variation 2426646 (VCV002426646.4).